The following is an entry in ClinVar:

ClinVar aggregate classification (germline): Uncertain significance. Review status: criteria provided, multiple submitters, no conflicts (2 of 4 stars). 2 submissions from 2 submitters: Uncertain significance (2). Last evaluated 2023-07-11.

gnomAD v4.1: 1 of 1,595,070 alleles (0.000063%); highest among the groups gnomAD compares: East Asian, 0.0023%; no homozygotes.

Submissions (2):

Labcorp Genetics (formerly Invitae), Labcorp
Classification: Uncertain significance. Last evaluated: 2023-07-11. Review status: criteria provided, single submitter. Criteria: Invitae Variant Classification Sherloc (09022015). Collection method: clinical testing. Allele origin: germline.
Comment: In summary, the available evidence is currently insufficient to determine the role of this variant in disease. Therefore, it has been classified as a Variant of Uncertain Significance. Advanced modeling of protein sequence and biophysical properties (such as structural, functional, and spatial information, amino acid conservation, physicochemical variation, residue mobility, and thermodynamic stability) performed at Invitae indicates that this missense variant is not expected to disrupt DVL1 protein function. ClinVar contains an entry for this variant (Variation ID: 1355794). This variant has not been reported in the literature in individuals affected with DVL1-related conditions. This variant is not present in population databases (gnomAD no frequency). This sequence change replaces proline, which is neutral and non-polar, with serine, which is neutral and polar, at codon 103 of the DVL1 protein (p.Pro103Ser).

GeneDx
Classification: Uncertain significance. Last evaluated: 2023-04-17. Review status: criteria provided, single submitter. Criteria: GeneDx Variant Classification Process June 2021. Collection method: clinical testing. Allele origin: germline. Affected: yes.
Comment: Not observed at significant frequency in large population cohorts (gnomAD); In silico analysis supports that this missense variant has a deleterious effect on protein structure/function; Has not been previously published as pathogenic or benign to our knowledge

NM_001330311.2(DVL1):c.307C>T (p.Pro103Ser)

Gene: DVL1 (dishevelled segment polarity protein 1; minus strand). Cytogenetic location: 1p36.33.
Variant type: single nucleotide variant.
Coding change: c.307C>T on transcript NM_001330311.2 (MANE Select); coding-DNA position 307, C replaced by T.
Protein change: p.Pro103Ser; replaces proline 103 with serine.
Molecular consequence: missense variant.
Genome position (GRCh38, 1-based): chr1:1,342,418, G>A on the plus strand (C>T on the coding strand, the complement: DVL1 is on the minus strand). VCF-style: chr1-1342418-G-A. GRCh37 (hg19) VCF-style: chr1-1277798-G-A.
Other names: c.307C>T (NM_004421.2); c.307C>T, p.Pro103Ser (NM_004421.3); short protein forms P103S.
Identifiers: ClinVar variation 1355794 (VCV001355794.6), dbSNP rs752252677, ClinGen allele CA337875966.
Genomic context (GRCh38, chr1:1,342,418, plus strand): 5'-CTTACTGGAAGGAGGGGGGCCGGGAGTCCCCGATGCCGCCTGTCCGCTCAAGAGGCGGGG[G>A]CAGGTCTGTGTGGCTGTCCGTGCCCTGGGACCCCGCATCCGAGTGAGCACCCTCAGCCAG-3'
Protein context (NP_001317240.1, residues 93-113): SQGTDSHTDL[Pro103Ser]PPLERTGGIG